The following is an entry in ClinVar:

NM_000258.3(MYL3):c.433A>G (p.Asn145Asp)

Gene: MYL3 (myosin light chain 3; minus strand). Cytogenetic location: 3p21.31.
Variant type: single nucleotide variant.
Coding change: c.433A>G on transcript NM_000258.3 (MANE Select); coding-DNA position 433, A replaced by G.
Protein change: p.Asn145Asp; replaces asparagine 145 with aspartic acid.
Molecular consequence: missense variant.
Genome position (GRCh38, 1-based): chr3:46,859,523, T>C on the plus strand (A>G on the coding strand, the complement: MYL3 is on the minus strand). VCF-style: chr3-46859523-T-C. GRCh37 (hg19) VCF-style: chr3-46901013-T-C.
Other names: short protein forms N145D.
Identifiers: ClinVar variation 1051693 (VCV001051693.14), dbSNP rs1204710752, ClinGen allele CA352496006.

ClinVar aggregate classification (germline): Uncertain significance. Review status: criteria provided, multiple submitters, no conflicts (2 of 4 stars). 4 submissions from 4 submitters: Uncertain significance (4). Last evaluated 2025-10-23.

Conditions:
Cardiovascular phenotype. Identifiers: MedGen CN230736.
Hypertrophic cardiomyopathy. Also called: HYPERTROPHIC MYOCARDIOPATHY. Identifiers: Orphanet 217569, MedGen C0007194, MeSH D002312, MONDO:0005045, HP:0001639.

Allele frequency attached by ClinVar (database versions not stated): gnomAD 0.00001.

Submissions (4):

Ambry Genetics
Classification: Uncertain significance for Cardiovascular phenotype. Last evaluated: 2025-10-23. Review status: criteria provided, single submitter. Criteria: Ambry Variant Classification Scheme 2023. Collection method: clinical testing. Allele origin: germline.

Labcorp Genetics (formerly Invitae), Labcorp
Classification: Uncertain significance for Hypertrophic cardiomyopathy. Last evaluated: 2025-07-27. Review status: criteria provided, single submitter. Criteria: Invitae Variant Classification Sherloc (09022015). Collection method: clinical testing. Allele origin: germline.
Comment: This sequence change replaces asparagine, which is neutral and polar, with aspartic acid, which is acidic and polar, at codon 145 of the MYL3 protein (p.Asn145Asp). This variant is present in population databases (no rsID available, gnomAD 0.02%). This variant has not been reported in the literature in individuals affected with MYL3-related conditions. ClinVar contains an entry for this variant (Variation ID: 1051693). An algorithm developed to predict the effect of missense changes on protein structure and function (PolyPhen-2) suggests that this variant is likely to be tolerated. In summary, the available evidence is currently insufficient to determine the role of this variant in disease. Therefore, it has been classified as a Variant of Uncertain Significance.

All of Us Research Program, National Institutes of Health
Classification: Uncertain significance for Hypertrophic cardiomyopathy. Last evaluated: 2023-03-04. Review status: criteria provided, single submitter. Criteria: ACMG Guidelines, 2015. Collection method: clinical testing. Allele origin: germline. Inheritance: Autosomal dominant inheritance. Observed: 1 variant allele, 1 heterozygote.
Comment: This missense variant replaces asparagine with aspartic acid at codon 145 of the MYL3 protein. Computational prediction suggests that this variant may not impact protein structure and function (internally defined REVEL score threshold <= 0.5, PMID: 27666373). To our knowledge, functional studies have not been reported for this variant. This variant has not been reported in an individual affected with hypertrophic cardiomyopathy (PMID: 33495597). This variant has been identified in 2/31392 chromosomes in the general population by the Genome Aggregation Database (gnomAD). The available evidence is insufficient to determine the role of this variant in disease conclusively. Therefore, this variant is classified as a Variant of Uncertain Significance.

This study involves interpretation of variants in research participants for the purpose of population health screening. Participant phenotype was not available at the time of variant classification. Additional details can be found in publication PMID: 35346344, PMCID: PMC8962531

Mayo Clinic Laboratories, Mayo Clinic
Classification: Uncertain significance. Last evaluated: 2019-12-17. Review status: criteria provided, single submitter. Criteria: ACMG Guidelines, 2015. Collection method: clinical testing. Allele origin: germline. Observed: 1 variant allele.

Literature cited by the submitters: PubMed 33495597 (cited by All of Us Research Program, National Institutes of Health).